The following is an entry in ClinVar:

NM_000186.4(CFH):c.3214A>G (p.Arg1072Gly)

Gene: CFH (complement factor H; plus strand). Cytogenetic location: 1q31.3.
Variant type: single nucleotide variant.
Coding change: c.3214A>G on transcript NM_000186.4 (MANE Select); coding-DNA position 3214, A replaced by G.
Protein change: p.Arg1072Gly; replaces arginine 1072 with glycine.
Molecular consequence: missense variant.
Genome position (GRCh38, 1-based): chr1:196,743,532, A>G. VCF-style: chr1-196743532-A-G. GRCh37 (hg19) VCF-style: chr1-196712662-A-G.
Other names: short protein forms R1072G.
Identifiers: ClinVar variation 4291545 (VCV004291545.1).

ClinVar aggregate classification (germline): Uncertain significance (1 of 4 stars; one submission).

Conditions:
Atypical hemolytic-uremic syndrome. Identifiers: Orphanet 2134, MedGen C2931788, MONDO:0016244.

gnomAD v4.1: 20 of 1,613,946 alleles (0.0012%); highest among the groups gnomAD compares: Non-Finnish European, 0.0016%; no homozygotes.

Submission:

Genomenon, Inc
Classification: Uncertain significance for Atypical hemolytic-uremic syndrome. Last evaluated: 2025-10-02. Review status: criteria provided, single submitter. Criteria: Genomenon Sequence Variant Interpretation Standards - Updated. Collection method: curation. Allele origin: germline. Affected: yes.
Comment: CFH p.Arg1072Gly (c.3214A>G) is a missense variant that changes the amino acid at residue 1072 from Arginine to Glycine. This variant has been observed in at least one proband affected with atypical hemolytic-uremic syndrome (PMID:32424742). It is absent or not present at a significant frequency in gnomAD. In silico models agree that this variant is not damaging. In conclusion, we classify CFH p.Arg1072Gly (c.3214A>G) as a variant of uncertain significance.

Literature cited by the submitters: PubMed 32424742.